The following is an entry in ClinVar:

ClinVar aggregate classification (germline): Uncertain significance (1 of 4 stars; one submission).

Conditions:
Emery-Dreifuss muscular dystrophy 5, autosomal dominant (EDMD5). Also called: EMERY-DREIFUSS MUSCULAR DYSTROPHY 5. Identifiers: Orphanet 261, MedGen C2751805, MONDO:0013072, OMIM 612999.

Submission:

Labcorp Genetics (formerly Invitae), Labcorp
Classification: Uncertain significance for Emery-Dreifuss muscular dystrophy 5, autosomal dominant. Last evaluated: 2022-03-17. Review status: criteria provided, single submitter. Criteria: Invitae Variant Classification Sherloc (09022015). Collection method: clinical testing. Allele origin: germline.
Comment: In summary, the available evidence is currently insufficient to determine the role of this variant in disease. Therefore, it has been classified as a Variant of Uncertain Significance. Algorithms developed to predict the effect of missense changes on protein structure and function (SIFT, PolyPhen-2, Align-GVGD) all suggest that this variant is likely to be tolerated. This variant has not been reported in the literature in individuals affected with SYNE2-related conditions. This variant is not present in population databases (gnomAD no frequency). This sequence change replaces asparagine, which is neutral and polar, with serine, which is neutral and polar, at codon 670 of the SYNE2 protein (p.Asn670Ser).

NM_182914.3(SYNE2):c.2009A>G (p.Asn670Ser)

Gene: SYNE2 (spectrin repeat containing nuclear envelope protein 2; plus strand). Cytogenetic location: 14q23.2.
Variant type: single nucleotide variant.
Coding change: c.2009A>G on transcript NM_182914.3 (MANE Select); coding-DNA position 2009, A replaced by G.
Protein change: p.Asn670Ser; replaces asparagine 670 with serine.
Molecular consequence: missense variant.
Genome position (GRCh38, 1-based): chr14:63,983,744, A>G. VCF-style: chr14-63983744-A-G. GRCh37 (hg19) VCF-style: chr14-64450462-A-G.
Other names: c.2009A>G, p.Asn670Ser (NM_015180.6); short protein forms N670S.
Identifiers: ClinVar variation 2071142 (VCV002071142.4), dbSNP rs760726196, ClinGen allele CA7219584.